The following is an entry in ClinVar:

ClinVar aggregate classification (germline): Likely benign. Review status: criteria provided, single submitter (1 of 4 stars). 2 submissions from 2 submitters: Likely benign (1). 1 of the submissions does not count toward it. Last evaluated 2025-11-13.

Conditions:
CDKN1C-related disorder. Also called: CDKN1C-related condition.
Beckwith-Wiedemann syndrome (BWS). Also called: EMG SYNDROME; Exomphalos macroglossia gigantism syndrome. Identifiers: Orphanet 116, MedGen C0004903, MONDO:0007534, OMIM 130650.

gnomAD v4.1: 6 of 969,010 alleles (0.00062%); highest among the groups gnomAD compares: African/African-American, 0.0018%; no homozygotes.

Submissions (2):

Labcorp Genetics (formerly Invitae), Labcorp
Classification: Likely benign for Beckwith-Wiedemann syndrome. Last evaluated: 2025-11-13. Review status: criteria provided, single submitter. Criteria: Invitae Variant Classification Sherloc (09022015). Collection method: clinical testing. Allele origin: germline.

PreventionGenetics, part of Exact Sciences
Classification: Likely benign for CDKN1C-related condition. Last evaluated: 2023-05-05. Review status: no assertion criteria provided. Collection method: clinical testing. Allele origin: germline. Not counted in ClinVar's aggregate classification.
Comment: This variant is classified as likely benign based on ACMG/AMP sequence variant interpretation guidelines (Richards et al. 2015 PMID: 25741868, with internal and published modifications).

NM_001122630.2(CDKN1C):c.516C>T (p.Ala172=)

Gene: CDKN1C (cyclin dependent kinase inhibitor 1C; minus strand). Cytogenetic location: 11p15.4.
Variant type: single nucleotide variant.
Coding change: c.516C>T on transcript NM_001122630.2 (MANE Select); coding-DNA position 516, C replaced by T.
Protein change: p.Ala172=; no amino-acid change (alanine 172 retained).
Molecular consequence: synonymous variant. On other transcripts: intron variant (1).
Genome position (GRCh38, 1-based): chr11:2,884,941, G>A on the plus strand (C>T on the coding strand, the complement: CDKN1C is on the minus strand). VCF-style: chr11-2884941-G-A. GRCh37 (hg19) VCF-style: chr11-2906171-G-A.
Other names: c.255+261C>T (NM_001362475.2); c.549C>T, p.Ala183= (NM_000076.2, NM_001362474.2); c.516C>T, p.Ala172= (NM_001122631.2).
Identifiers: ClinVar variation 1108343 (VCV001108343.11), dbSNP rs1462682672, ClinGen allele CA472832624.